The following is an entry in ClinVar:

NM_001283009.2(RTEL1):c.3865C>A (p.Gln1289Lys)

Genes: RTEL1 (regulator of telomere elongation helicase 1; plus strand), RTEL1-TNFRSF6B (RTEL1-TNFRSF6B readthrough (NMD candidate); plus strand). Cytogenetic location: 20q13.33.
Variant type: single nucleotide variant.
Coding change: c.3865C>A on transcript NM_001283009.2 (MANE Select); coding-DNA position 3865, C replaced by A.
Protein change: p.Gln1289Lys; replaces glutamine 1289 with lysine.
Molecular consequence: missense variant. On other transcripts: non-coding transcript variant (1), 3 prime UTR variant (3).
Genome position (GRCh38, 1-based): chr20:63,695,820, C>A. VCF-style: chr20-63695820-C-A. GRCh37 (hg19) VCF-style: chr20-62327173-C-A.
Other names: c.*35C>A (NM_001283010.1, NM_016434.4, NM_032957.5); short protein forms Q1289K.
Identifiers: ClinVar variation 3948345 (VCV003948345.1).

ClinVar aggregate classification (germline): Uncertain significance (1 of 4 stars; one submission).

Conditions:
Inborn genetic diseases. Identifiers: MedGen C0950123, MeSH D030342.

gnomAD v4.1: 1 of 1,600,528 alleles (0.000062%); highest among the groups gnomAD compares: Non-Finnish European, 0.000085%; no homozygotes.

Submission:

Ambry Genetics
Classification: Uncertain significance for Inborn genetic diseases. Last evaluated: 2025-04-20. Review status: criteria provided, single submitter. Criteria: Ambry Variant Classification Scheme 2023. Collection method: clinical testing. Allele origin: germline.
Comment: The p.Q1289K variant (also known as c.3865C>A), located in coding exon 34 of the RTEL1 gene, results from a C to A substitution at nucleotide position 3865. The glutamine at codon 1289 is replaced by lysine, an amino acid with similar properties. This amino acid position is conserved. In addition, the in silico prediction for this alteration is inconclusive. Based on the available evidence, the clinical significance of this variant remains unclear.